The following is an entry in ClinVar:

ClinVar aggregate classification (germline): Conflicting classifications of pathogenicity. Review status: criteria provided, conflicting classifications (1 of 4 stars). 2 submissions from 2 submitters: Uncertain significance (1); Likely benign (1). Last evaluated 2026-04-01.

Conditions:
Primary ciliary dyskinesia. Also called: Ciliary dyskinesia. Identifiers: Orphanet 244, MedGen C0008780, MONDO:0016575, HP:0012265.

Submissions (2):

Department of Human Genetics, Hannover Medical School
Classification: Uncertain significance for Primary Ciliary Dyskinesia. Last evaluated: 2026-04-01. Review status: criteria provided, single submitter. Criteria: ACMG Guidelines, 2015. Collection method: research. Allele origin: germline. Affected: no.
Comment: Classification performed by HerediClassify using the following criteria:['PVS1_protein_strong: Transcript ENST00000617316 is not predicted to undergo NMD. Protein length change of 0.7142857142857143 observed.']

Laboratory of Genetics, Children's Clinical University Hospital Latvia
Classification: Likely benign. Last evaluated: 2025-02-16. Review status: criteria provided, single submitter. Criteria: ACMG Guidelines, 2015. Collection method: clinical testing. Allele origin: germline. Affected: yes.

NM_032790.4(ORAI1):c.126_127insA

Genes: ORAI1 (ORAI calcium release-activated calcium modulator 1; plus strand), LOC130008987 (ATAC-STARR-seq lymphoblastoid silent region 4981; plus strand). Cytogenetic location: 12q24.31.
Variant type: Insertion.
Coding change: c.126_127insA on transcript NM_032790.4 (MANE Select); coding-DNA positions 126 to 127, A inserted.
Molecular consequence: non-coding transcript variant (on NR_186857.1).
Genome position: GRCh38 VCF-style: chr12-121626873-C-CA. GRCh37 (hg19) VCF-style: chr12-122064773-C-CA.
Identifiers: ClinVar variation 3911002 (VCV003911002.2).